The following is an entry in ClinVar:

NM_024740.2(ALG9):c.1197A>G (p.Lys399=)

Gene: ALG9 (ALG9 alpha-1,2-mannosyltransferase; minus strand). Cytogenetic location: 11q23.1.
Variant type: single nucleotide variant.
Coding change: c.1197A>G on transcript NM_024740.2 (MANE Select); coding-DNA position 1197, A replaced by G.
Protein change: p.Lys399=; no amino-acid change (lysine 399 retained).
Molecular consequence: synonymous variant. On other transcripts: non-coding transcript variant (1).
Genome position (GRCh38, 1-based): chr11:111,838,376, T>C on the plus strand (A>G on the coding strand, the complement: ALG9 is on the minus strand). VCF-style: chr11-111838376-T-C. GRCh37 (hg19) VCF-style: chr11-111709099-T-C.
Other names: c.1176A>G, p.Lys392= (NM_001077690.1, NM_001352417.1); c.684A>G, p.Lys228= (NM_001077691.2, NM_001352413.1, NM_001352414.2 and 1 more transcripts); c.663A>G, p.Lys221= (NM_001077692.2, NM_001352409.1, NM_001352410.1 and 6 more transcripts); c.1053A>G, p.Lys351= (NM_001352418.1); c.588A>G, p.Lys196= (NM_001352422.2); c.540A>G, p.Lys180= (NM_001352423.2).
Identifiers: ClinVar variation 2008761 (VCV002008761.4), dbSNP rs2496967683, ClinGen allele CA476780711.
Genomic context (GRCh38, chr11:111,838,376, plus strand): 5'-CCAATTCGATGTCACAGTATAGTGCTCCAGGCGATATCGTTGAAACACAAAGTGGTAACA[T>C]TTCTGGAAGTACAGAAAACTGTGCTGATAAAAGAAAATATAATTTGTAGAATATACATAA-3'
Protein context (NP_079016.2, residues 389-409): ALQHSFLYFQ[Lys399=]CYHFVFQRYR

ClinVar aggregate classification (germline): Uncertain significance (1 of 4 stars; one submission).

Conditions:
ALG9 congenital disorder of glycosylation (CDG1L). Also called: CONGENITAL DISORDER OF GLYCOSYLATION, TYPE Il; ALG9-CDG; CDG Il. Identifiers: Orphanet 79328, MedGen C2931006, MONDO:0012117, OMIM 608776.

Submission:

Labcorp Genetics (formerly Invitae), Labcorp
Classification: Uncertain significance for ALG9 congenital disorder of glycosylation. Last evaluated: 2022-06-20. Review status: criteria provided, single submitter. Criteria: Invitae Variant Classification Sherloc (09022015). Collection method: clinical testing. Allele origin: germline.
Comment: In summary, the available evidence is currently insufficient to determine the role of this variant in disease. Therefore, it has been classified as a Variant of Uncertain Significance. Algorithms developed to predict the effect of sequence changes on RNA splicing suggest that this variant may disrupt the consensus splice site. This variant has not been reported in the literature in individuals affected with ALG9-related conditions. This variant is not present in population databases (gnomAD no frequency). This sequence change affects codon 399 of the ALG9 mRNA. It is a 'silent' change, meaning that it does not change the encoded amino acid sequence of the ALG9 protein.